The following is an entry in ClinVar:

ClinVar aggregate classification (germline): Pathogenic/Likely pathogenic. Review status: criteria provided, multiple submitters, no conflicts (2 of 4 stars). 2 submissions from 2 submitters: Pathogenic (1); Likely pathogenic (1). Last evaluated 2025-04-21.

Conditions:
Fanconi anemia complementation group A (FANCA). Also called: Fanconi anemia, group A; FANCA-Related Fanconi Anemia. Identifiers: Orphanet 84, MedGen C3469521, MONDO:0009215, OMIM 227650.

Submissions (2):

Myriad Genetics, Inc.
Classification: Pathogenic for Fanconi anemia complementation group A. Last evaluated: 2025-04-21. Review status: criteria provided, single submitter. Criteria: Myriad Autosomal Dominant, Autosomal Recessive and X-Linked Classification Criteria (2023). Collection method: clinical testing. Allele origin: unknown.
Comment: NM_000135.2(FANCA):c.3142dupC(L1048Pfs*3) is a frameshift variant classified as pathogenic in the context of Fanconi anemia complementation group A. L1048Pfs*3 has not been observed in cases with relevant disease. Relevant functional assessments of this variant are not available in the literature. L1048Pfs*3 has not been observed in referenced population frequency databases. In summary, NM_000135.2(FANCA):c.3142dupC(L1048Pfs*3) is a frameshift variant in a gene where loss of function is a known mechanism of disease and is predicted to disrupt protein function. Please note: this variant was assessed in the context of healthy population screening.

Baylor Genetics
Classification: Likely pathogenic for Fanconi anemia complementation group A. Last evaluated: 2023-10-10. Review status: criteria provided, single submitter. Criteria: ACMG Guidelines, 2015. Collection method: clinical testing. Allele origin: unknown.

NM_000135.4(FANCA):c.3142dup (p.Leu1048fs)

Gene: FANCA (FA complementation group A; minus strand). Cytogenetic location: 16q24.3.
Variant type: Duplication.
Coding change: c.3142dup on transcript NM_000135.4 (MANE Select); coding-DNA position 3142, one base duplicated (C; older notation c.3142dupC).
Protein change: p.Leu1048fs; shifts the reading frame from leucine 1048.
Molecular consequence: frameshift variant.
Genome position (GRCh38, 1-based): chr16:89,749,827, G duplicated on the plus strand (C on the coding strand, the reverse complement: FANCA is on the minus strand); the first of 2 consecutive G bases (chr16:89,749,827-89,749,828); duplicating either gives the same sequence. VCF-style (leftmost placement, unchanged base first): chr16-89749826-A-AG. GRCh37 (hg19) VCF-style: chr16-89816234-A-AG.
Other names: c.3142dup, p.Leu1048fs (NM_001286167.3); c.3142dup (LRG_495t1); short protein forms L1048fs.
Identifiers: ClinVar variation 632266 (VCV000632266.6), dbSNP rs1405317971, ClinGen allele CA725755999.